The following is an entry in ClinVar:

NM_001113525.2(ZNF276):c.936G>A (p.Ser312=)

Gene: ZNF276 (zinc finger protein 276; plus strand). Cytogenetic location: 16q24.3.
Variant type: single nucleotide variant.
Coding change: c.936G>A on transcript NM_001113525.2 (MANE Select); coding-DNA position 936, G replaced by A.
Protein change: p.Ser312=; no amino-acid change (serine 312 retained).
Molecular consequence: synonymous variant. On other transcripts: non-coding transcript variant (4).
Genome position (GRCh38, 1-based): chr16:89,723,639, G>A. VCF-style: chr16-89723639-G-A. GRCh37 (hg19) VCF-style: chr16-89790047-G-A.
Other names: c.711G>A, p.Ser237= (NM_152287.4).
Identifiers: ClinVar variation 4990566 (VCV004990566.1).

ClinVar aggregate classification (germline): Likely benign (1 of 4 stars; one submission).

Conditions:
ZNF276-related condition.

gnomAD v4.1: 227 of 1,612,572 alleles (0.014%); highest among the groups gnomAD compares: Middle Eastern, 0.049%; no homozygotes.

Submission:

PreventionGenetics, part of Exact Sciences
Classification: Likely benign for ZNF276-related condition. Last evaluated: 2025-09-10. Review status: criteria provided, single submitter. Criteria: ACMG Guidelines, 2015. Collection method: clinical testing. Allele origin: germline.
Comment: This variant is classified as likely benign based on ACMG/AMP sequence variant interpretation guidelines (Richards et al. 2015 PMID: 25741868, with internal and published modifications).